The following is an entry in ClinVar:

ClinVar aggregate classification (germline): Uncertain significance (1 of 4 stars; one submission).

Conditions:
Joubert syndrome 23 (JBTS23). Identifiers: Orphanet 475, MedGen C4084822, MONDO:0014664, OMIM 616490.
Short-rib thoracic dysplasia 14 with polydactyly (SRTD14). Identifiers: Orphanet 397715, MedGen C4225286, MONDO:0014688, OMIM 616546.

Allele frequency attached by ClinVar (database versions not stated): gnomAD exomes below 0.00001.
gnomAD v4.1: 1 of 1,613,276 alleles (0.000062%); highest among the groups gnomAD compares: East Asian, 0.0022%; no homozygotes.

Submission:

Labcorp Genetics (formerly Invitae), Labcorp
Classification: Uncertain significance for Joubert syndrome 23; Short-rib thoracic dysplasia 14 with polydactyly. Last evaluated: 2024-01-22. Review status: criteria provided, single submitter. Criteria: Invitae Variant Classification Sherloc (09022015). Collection method: clinical testing. Allele origin: germline.
Comment: This sequence change replaces glycine, which is neutral and non-polar, with alanine, which is neutral and non-polar, at codon 961 of the KIAA0586 protein (p.Gly961Ala). This variant is present in population databases (rs753434086, gnomAD 0.006%). This variant has not been reported in the literature in individuals affected with KIAA0586-related conditions. ClinVar contains an entry for this variant (Variation ID: 1435010). Advanced modeling of protein sequence and biophysical properties (such as structural, functional, and spatial information, amino acid conservation, physicochemical variation, residue mobility, and thermodynamic stability) performed at Invitae indicates that this missense variant is expected to disrupt KIAA0586 protein function with a positive predictive value of 80%. In summary, the available evidence is currently insufficient to determine the role of this variant in disease. Therefore, it has been classified as a Variant of Uncertain Significance.

NM_001329943.3(KIAA0586):c.2723G>C (p.Gly908Ala)

Gene: KIAA0586 (KIAA0586; plus strand). Cytogenetic location: 14q23.1.
Variant type: single nucleotide variant.
Coding change: c.2723G>C on transcript NM_001329943.3 (MANE Select); coding-DNA position 2723, G replaced by C.
Protein change: p.Gly908Ala; replaces glycine 908 with alanine.
Molecular consequence: missense variant.
Genome position (GRCh38, 1-based): chr14:58,474,695, G>C. VCF-style: chr14-58474695-G-C. GRCh37 (hg19) VCF-style: chr14-58941413-G-C.
Other names: c.2882G>C, p.Gly961Ala (NM_001244189.2); c.2678G>C, p.Gly893Ala (NM_001244190.2); c.2468G>C, p.Gly823Ala (NM_001244191.2, NM_001329945.2, NM_001364700.1 and 1 more transcripts); c.2591G>C, p.Gly864Ala (NM_001244192.2); c.2303G>C, p.Gly768Ala (NM_001244193.2); c.2723G>C, p.Gly908Ala (NM_001329944.2, NM_001329946.2, NM_001329947.2); c.2495G>C, p.Gly832Ala (NM_014749.5); short protein forms G832A, G961A, G823A, G768A, G864A, G893A, G908A.
Identifiers: ClinVar variation 1435010 (VCV001435010.8), dbSNP rs753434086, ClinGen allele CA7205959.